The following is an entry in ClinVar:

NM_001130438.3(SPTAN1):c.1445G>T (p.Trp482Leu)

Gene: SPTAN1 (spectrin alpha, non-erythrocytic 1; plus strand). Cytogenetic location: 9q34.11.
Variant type: single nucleotide variant.
Coding change: c.1445G>T on transcript NM_001130438.3 (MANE Select); coding-DNA position 1445, G replaced by T.
Protein change: p.Trp482Leu; replaces tryptophan 482 with leucine.
Molecular consequence: missense variant.
Genome position (GRCh38, 1-based): chr9:128,581,043, G>T. VCF-style: chr9-128581043-G-T. GRCh37 (hg19) VCF-style: chr9-131343322-G-T.
Other names: c.1445G>T, p.Trp482Leu (NM_001195532.2, NM_001363759.2, NM_001363765.2 and 5 more transcripts); c.1481G>T, p.Trp494Leu (NM_001375312.2, NM_001375318.1); short protein forms W482L, W494L.
Identifiers: ClinVar variation 1307294 (VCV001307294.2), dbSNP rs2131090131, ClinGen allele CA375053816.

ClinVar aggregate classification (germline): Uncertain significance (1 of 4 stars; one submission).

Submission:

GeneDx
Classification: Uncertain significance. Last evaluated: 2019-07-29. Review status: criteria provided, single submitter. Criteria: GeneDx Variant Classification Process June 2021. Collection method: clinical testing. Allele origin: germline. Affected: yes.
Comment: Has not been previously published as pathogenic or benign to our knowledge; Not observed in large population cohorts (Lek et al., 2016); In silico analysis, which includes protein predictors and evolutionary conservation, supports a deleterious effect